The following is an entry in ClinVar:

NM_001365951.3(KIF1B):c.2749G>A (p.Asp917Asn)

Genes: KIF1B (kinesin family member 1B; plus strand), LOC126805614 (BRD4-independent group 4 enhancer GRCh37_chr1:10385546-10386745; plus strand). Cytogenetic location: 1p36.22.
Variant type: single nucleotide variant.
Coding change: c.2749G>A on transcript NM_001365951.3 (MANE Select); coding-DNA position 2749, G replaced by A.
Protein change: p.Asp917Asn; replaces aspartic acid 917 with asparagine.
Molecular consequence: missense variant.
Genome position (GRCh38, 1-based): chr1:10,326,184, G>A. VCF-style: chr1-10326184-G-A. GRCh37 (hg19) VCF-style: chr1-10386242-G-A.
Other names: c.2749G>A, p.Asp917Asn (NM_001365952.1); c.2611G>A, p.Asp871Asn (NM_015074.3); short protein forms D917N, D871N.
Identifiers: ClinVar variation 1367912 (VCV001367912.10), dbSNP rs768941996, ClinGen allele CA581602.
Genomic context (GRCh38, chr1:10,326,184, plus strand): 5'-CACGGCTGTGTGAACGAGCGCCTTGCCGACCGCACACCCTCCCCCACTTTTTCCACGGCC[G>A]ATTCCGACATCACTGAGCTGGCTGACGAGCAGCAAGATGAGATGGAGGATTTTGATGATG-3'
Protein context (NP_001352880.1, residues 907-927): RTPSPTFSTA[Asp917Asn]SDITELADEQ

ClinVar aggregate classification (germline): Uncertain significance. Review status: criteria provided, multiple submitters, no conflicts (2 of 4 stars). 2 submissions from 2 submitters: Uncertain significance (2). Last evaluated 2025-10-27.

Conditions:
Charcot-Marie-Tooth disease type 2. Also called: Charcot-Marie-Tooth type 2. Identifiers: Orphanet 64746, MedGen C0270914, MONDO:0018993.

Allele frequency attached by ClinVar (database versions not stated): gnomAD 0.00001; gnomAD exomes 0.00002 and 0.00001; TOPMed 0.00002; ExAC 0.00002.
gnomAD v4.1: 19 of 1,613,992 alleles (0.0012%); highest among the groups gnomAD compares: South Asian, 0.011%; no homozygotes.

Submissions (2):

Ambry Genetics
Classification: Uncertain significance. Last evaluated: 2025-10-27. Review status: criteria provided, single submitter. Criteria: Ambry Variant Classification Scheme 2023. Collection method: clinical testing. Allele origin: germline.
Comment: The p.D871N variant (also known as c.2611G>A), located in coding exon 24 of the KIF1B gene, results from a G to A substitution at nucleotide position 2611. The aspartic acid at codon 871 is replaced by asparagine, an amino acid with highly similar properties. This amino acid position is highly conserved in available vertebrate species. In addition, this alteration is predicted to be tolerated by in silico analysis. Since supporting evidence is limited at this time, the clinical significance of this alteration remains unclear.

Labcorp Genetics (formerly Invitae), Labcorp
Classification: Uncertain significance for Charcot-Marie-Tooth disease type 2. Last evaluated: 2025-01-21. Review status: criteria provided, single submitter. Criteria: Invitae Variant Classification Sherloc (09022015). Collection method: clinical testing. Allele origin: germline.
Comment: This sequence change replaces aspartic acid, which is acidic and polar, with asparagine, which is neutral and polar, at codon 871 of the KIF1B protein (p.Asp871Asn). This variant is present in population databases (rs768941996, gnomAD 0.01%). This variant has not been reported in the literature in individuals affected with KIF1B-related conditions. ClinVar contains an entry for this variant (Variation ID: 1367912). An algorithm developed to predict the effect of missense changes on protein structure and function (PolyPhen-2) suggests that this variant is likely to be disruptive. In summary, the available evidence is currently insufficient to determine the role of this variant in disease. Therefore, it has been classified as a Variant of Uncertain Significance.